The following is an entry in ClinVar:

NM_000414.4(HSD17B4):c.682G>T (p.Glu228Ter)

Gene: HSD17B4 (hydroxysteroid 17-beta dehydrogenase 4; plus strand). Cytogenetic location: 5q23.1.
Variant type: single nucleotide variant.
Coding change: c.682G>T on transcript NM_000414.4 (MANE Select); coding-DNA position 682, G replaced by T.
Protein change: p.Glu228Ter; replaces glutamic acid 228 with a stop codon.
Molecular consequence: nonsense. On other transcripts: non-coding transcript variant (2).
Genome position (GRCh38, 1-based): chr5:119,489,251, G>T. VCF-style: chr5-119489251-G-T. GRCh37 (hg19) VCF-style: chr5-118824946-G-T.
Other names: c.757G>T, p.Glu253Ter (NM_001199291.3); c.628G>T, p.Glu210Ter (NM_001199292.2); c.610G>T, p.Glu204Ter (NM_001292027.2); c.262G>T, p.Glu88Ter (NM_001292028.2); c.673G>T, p.Glu225Ter (NM_001374497.1); c.682G>T, p.Glu228Ter (NM_001374498.1); c.355G>T, p.Glu119Ter (NM_001374499.1); c.241G>T, p.Glu81Ter (NM_001374500.1); and 1 more; short protein forms E119*, E204*, E228*, E253*, E81*, E91*, E210*, E225*.
Identifiers: ClinVar variation 1357638 (VCV001357638.6), dbSNP rs746702458, ClinGen allele CA360866989.

ClinVar aggregate classification (germline): Pathogenic (1 of 4 stars; one submission).

Conditions:
Bifunctional peroxisomal enzyme deficiency (DBIF). Also called: D-bifunctional protein deficiency; DBP DEFICIENCY; PBFE DEFICIENCY. Identifiers: Orphanet 300, MedGen C0342870, MONDO:0009855, OMIM 261515. Disease mechanism: loss of function.
Perrault syndrome. Also called: Gonadal dysgenesis with auditory dysfunction, autosomal recessive inheritance. Identifiers: Orphanet 2855, MedGen C0685838, MONDO:0017312.

Submission:

Labcorp Genetics (formerly Invitae), Labcorp
Classification: Pathogenic for Perrault syndrome; Bifunctional peroxisomal enzyme deficiency. Last evaluated: 2021-04-01. Review status: criteria provided, single submitter. Criteria: Invitae Variant Classification Sherloc (09022015). Collection method: clinical testing. Allele origin: germline.
Comment: For these reasons, this variant has been classified as Pathogenic. This variant has not been reported in the literature in individuals with HSD17B4-related conditions. This variant is not present in population databases (ExAC no frequency). This sequence change creates a premature translational stop signal (p.Glu228*) in the HSD17B4 gene. It is expected to result in an absent or disrupted protein product. Loss-of-function variants in HSD17B4 are known to be pathogenic (PMID: 11810648, 16385454).

Literature cited by the submitters: PubMed 11810648; PubMed 16385454.